The following is an entry in ClinVar:

ClinVar aggregate classification (germline): Conflicting classifications of pathogenicity. Review status: criteria provided, conflicting classifications (1 of 4 stars). 3 submissions from 3 submitters: Likely pathogenic (1); Uncertain significance (2). Last evaluated 2025-04-09.

Conditions:
Cardiovascular phenotype. Identifiers: MedGen CN230736.
Hypertrophic cardiomyopathy. Also called: HYPERTROPHIC MYOCARDIOPATHY. Identifiers: Orphanet 217569, MedGen C0007194, MeSH D002312, MONDO:0005045, HP:0001639.

Submissions (3):

Labcorp Genetics (formerly Invitae), Labcorp
Classification: Uncertain significance for Hypertrophic cardiomyopathy. Last evaluated: 2025-04-09. Review status: criteria provided, single submitter. Criteria: Invitae Variant Classification Sherloc (09022015). Collection method: clinical testing. Allele origin: germline.
Comment: This sequence change replaces glutamic acid, which is acidic and polar, with lysine, which is basic and polar, at codon 1376 of the MYH7 protein (p.Glu1376Lys). This variant is not present in population databases (gnomAD no frequency). This missense change has been observed in individual(s) with dilated cardiomyopathy (PMID: 31983221, 37652022). ClinVar contains an entry for this variant (Variation ID: 181243). Invitae Evidence Modeling of protein sequence and biophysical properties (such as structural, functional, and spatial information, amino acid conservation, physicochemical variation, residue mobility, and thermodynamic stability) indicates that this missense variant is expected to disrupt MYH7 protein function with a positive predictive value of 95%. In summary, the available evidence is currently insufficient to determine the role of this variant in disease. Therefore, it has been classified as a Variant of Uncertain Significance.

Ambry Genetics
Classification: Uncertain significance for Cardiovascular phenotype. Last evaluated: 2020-12-28. Review status: criteria provided, single submitter. Criteria: Ambry Variant Classification Scheme 2023. Collection method: clinical testing. Allele origin: germline.
Comment: The p.E1376K variant (also known as c.4126G>A), located in coding exon 28 of the MYH7 gene, results from a G to A substitution at nucleotide position 4126. The glutamic acid at codon 1376 is replaced by lysine, an amino acid with similar properties. This alteration was reported in a dilated cardiomyopathy (DCM) (Mazzarotto F et al. Circulation, 2020 02;141:387-398). This amino acid position is highly conserved in available vertebrate species. In addition, this alteration is predicted to be deleterious by in silico analysis. Since supporting evidence is limited at this time, the clinical significance of this alteration remains unclear.

GeneDx
Classification: Likely pathogenic. Last evaluated: 2014-04-20. Review status: criteria provided, single submitter. Criteria: GeneDx Variant Classification (06012015). Collection method: clinical testing. Allele origin: germline. Affected: yes.
Comment: p.Glu1376Lys (GAG>AAG): c.4126 G>A in exon 30 of the MYH7 gene (NM_000257.2). A E1376K variant that is likely pathogenic was identified in the MYH7 gene. This variant has not been published as a mutation or as a benign polymorphism to our knowledge. The E1376K variant was not observed in approximately 6,500 individuals of European and African American ancestry in the NHLBI Exome Sequencing Project, indicating it is not a common benign variant in these populations. The E1376K variant is a non-conservative amino acid substitution, which is likely to impact secondary protein structure as these residues differ in polarity, charge, size and/or other properties. This substitution occurs at a position that is conserved across species. Consequently, in silico analysis predicts this variant may be damaging to the protein structure/function. Furthermore, missense mutations in nearby residues (T1377M, A1379T, R1382Q, R1382W) have been reported in association with hypertrophic cardiomyopathy, supporting the functional importance of this region of the protein. Therefore, this variant is a strong candidate for a pathogenic mutation. However, the possibility that it is a benign variant cannot be excluded. The variant is found in CARDIOMYOPATHY panel(s).

Literature cited by the submitters: PubMed 31983221 (cited by Labcorp Genetics (formerly Invitae), Labcorp and Ambry Genetics); PubMed 37652022 (cited by Labcorp Genetics (formerly Invitae), Labcorp).

NM_000257.4(MYH7):c.4126G>A (p.Glu1376Lys)

Gene: MYH7 (myosin heavy chain 7; minus strand). Cytogenetic location: 14q11.2.
Variant type: single nucleotide variant.
Coding change: c.4126G>A on transcript NM_000257.4 (MANE Select); coding-DNA position 4126, G replaced by A.
Protein change: p.Glu1376Lys; replaces glutamic acid 1376 with lysine.
Molecular consequence: missense variant.
Genome position (GRCh38, 1-based): chr14:23,418,253, C>T on the plus strand (G>A on the coding strand, the complement: MYH7 is on the minus strand). VCF-style: chr14-23418253-C-T. GRCh37 (hg19) VCF-style: chr14-23887462-C-T.
Other names: p.E1376K:GAG>AAG; c.4126G>A (LRG_384t1); short protein forms E1376K.
Identifiers: ClinVar variation 181243 (VCV000181243.6), dbSNP rs730880791, ClinGen allele CA014488.
Genomic context (GRCh38, chr14:23,418,253, plus strand): 5'-GGCTGCTCAGAACTCACTTGGCCTCCTCGAGCTCCTCAGTCCGCTGAATGGCGTCCGTCT[C>T]ATACTTGGTCCTCCACTGGGCCACCTCCGAGTTGGCCTTGGAAAGGACGCGCTGCAGCTC-3'
Protein context (NP_000248.2, residues 1366-1386): SEVAQWRTKY[Glu1376Lys]TDAIQRTEEL